The following is an entry in ClinVar:

ClinVar aggregate classification (germline): Uncertain significance (1 of 4 stars; one submission).

Conditions:
Wrinkly skin syndrome (WSS). Also called: Type of Gerodermia osteodysplastica. Identifiers: Orphanet 2834, MedGen C0406587, MONDO:0010208, OMIM 278250.
Cutis laxa with osteodystrophy (ARCL2A). Also called: CUTIS LAXA, AUTOSOMAL RECESSIVE, TYPE IIA; Debré-Type Cutis Laxa; CUTIS LAXA WITH BONE DYSTROPHY; CUTIS LAXA WITH GROWTH AND DEVELOPMENTAL DELAY; CUTIS LAXA WITH JOINT LAXITY AND RETARDED DEVELOPMENT; CUTIS LAXA WITH CONGENITAL DISORDER OF GLYCOSYLATION. Identifiers: Orphanet 357058, MedGen C0268355, MONDO:0018163, OMIM 219200. Disease mechanism: loss of function.

gnomAD v4.1: 4 of 1,614,218 alleles (0.00025%); highest among the groups gnomAD compares: African/African-American, 0.0013%; no homozygotes.

Submission:

Juno Genomics, Hangzhou Juno Genomics, Inc
Classification: Uncertain significance for Cutis laxa with osteodystrophy; Wrinkly skin syndrome. Review status: criteria provided, single submitter. Criteria: ACMG Guidelines, 2015. Collection method: clinical testing. Allele origin: germline.
Comment: Absent from controls (or at extremely low frequency if recessive) in Genome Aggregation Database.;Multiple lines of computational evidence support a deleterious effect on the gene or gene product.

NM_012463.4(ATP6V0A2):c.1179A>G (p.Glu393=)

Gene: ATP6V0A2 (ATPase H+ transporting V0 subunit a2; plus strand). Cytogenetic location: 12q24.31.
Variant type: single nucleotide variant.
Coding change: c.1179A>G on transcript NM_012463.4 (MANE Select); coding-DNA position 1179, A replaced by G.
Protein change: p.Glu393=; no amino-acid change (glutamic acid 393 retained).
Molecular consequence: synonymous variant.
Genome position (GRCh38, 1-based): chr12:123,743,925, A>G. VCF-style: chr12-123743925-A-G. GRCh37 (hg19) VCF-style: chr12-124228472-A-G.
Identifiers: ClinVar variation 5005055 (VCV005005055.2).
Genomic context (GRCh38, chr12:123,743,925, plus strand): 5'-CAAATTCACCGAGGGATTTCAGAACATCGTGGATGCTTATGGAGTCGGAAGCTACAGAGA[A>G]GTCAATCCAGGTTGGAAGTCTGATTTGTAAATACCCGTATTTCCAATGGCATTGTTGCAT-3'
Protein context (NP_036595.2, residues 383-403): VDAYGVGSYR[Glu393=]VNPALFTIIT